The following is an entry in ClinVar:

ClinVar aggregate classification (germline): Uncertain significance. Review status: criteria provided, multiple submitters, no conflicts (2 of 4 stars). 4 submissions from 4 submitters: Uncertain significance (4). Last evaluated 2025-03-10.

Conditions:
Hereditary nonpolyposis colorectal neoplasms. Identifiers: MedGen C0009405, MeSH D003123.
Hereditary cancer-predisposing syndrome. Also called: Hereditary Cancer Syndrome; Hereditary neoplastic syndrome; Neoplastic Syndromes, Hereditary; Tumor predisposition. Identifiers: Orphanet 140162, MedGen C0027672, MeSH D009386, MONDO:0015356.
Lynch syndrome 4 (LYNCH4). Also called: Colorectal cancer, hereditary nonpolyposis, type 4; Hereditary non-polyposis colorectal cancer, type 4. Identifiers: Orphanet 144, MedGen C1838333, MONDO:0013699, OMIM 614337. Disease mechanism: loss of function.

Allele frequency attached by ClinVar (database versions not stated): gnomAD exomes below 0.00001; ExAC 0.00001; TOPMed 0.00001.

Submissions (4):

Color Diagnostics, LLC DBA Color Health
Classification: Uncertain significance for Hereditary cancer-predisposing syndrome. Last evaluated: 2025-03-10. Review status: criteria provided, single submitter. Criteria: ACMG Guidelines, 2015. Collection method: clinical testing. Allele origin: germline.
Comment: This missense variant replaces threonine with alanine at codon 716 of the PMS2 protein. Computational prediction is inconclusive regarding the impact of this variant on protein structure and function. To our knowledge, functional studies have not been reported for this variant. This variant has not been reported in individuals affected with PMS2-related disorders in the literature. This variant has been identified in 1/238318 chromosomes in the general population by the Genome Aggregation Database (gnomAD). The available evidence is insufficient to determine the role of this variant in disease conclusively. Therefore, this variant is classified as a Variant of Uncertain Significance.

Labcorp Genetics (formerly Invitae), Labcorp
Classification: Uncertain significance for Hereditary nonpolyposis colorectal neoplasms. Last evaluated: 2025-01-22. Review status: criteria provided, single submitter. Criteria: Invitae Variant Classification Sherloc (09022015). Collection method: clinical testing. Allele origin: germline.
Comment: This sequence change replaces threonine, which is neutral and polar, with alanine, which is neutral and non-polar, at codon 716 of the PMS2 protein (p.Thr716Ala). The frequency data for this variant in the population databases (gnomAD) is considered unreliable due to the presence of homologous sequence, such as pseudogenes or paralogs, in the genome. This variant has not been reported in the literature in individuals affected with PMS2-related conditions. ClinVar contains an entry for this variant (Variation ID: 455685). Invitae Evidence Modeling incorporating data from in vitro experimental studies (internal data) indicates that this missense variant is not expected to disrupt PMS2 function with a negative predictive value of 95%. In summary, the available evidence is currently insufficient to determine the role of this variant in disease. Therefore, it has been classified as a Variant of Uncertain Significance.

Ambry Genetics
Classification: Uncertain significance for Hereditary cancer-predisposing syndrome. Last evaluated: 2024-08-29. Review status: criteria provided, single submitter. Criteria: Ambry Variant Classification Scheme 2023. Collection method: clinical testing. Allele origin: germline.
Comment: The p.T716A variant (also known as c.2146A>G), located in coding exon 12 of the PMS2 gene, results from an A to G substitution at nucleotide position 2146. The threonine at codon 716 is replaced by alanine, an amino acid with similar properties. This amino acid position is highly conserved in available vertebrate species. In addition, the in silico prediction for this alteration is inconclusive. Based on the available evidence, the clinical significance of this variant remains unclear.

Baylor Genetics
Classification: Uncertain significance for Lynch syndrome 4. Last evaluated: 2023-08-01. Review status: criteria provided, single submitter. Criteria: ACMG Guidelines, 2015. Collection method: clinical testing. Allele origin: unknown.

NM_000535.7(PMS2):c.2146A>G (p.Thr716Ala)

Gene: PMS2 (PMS1 homolog 2, mismatch repair system component; minus strand). Cytogenetic location: 7p22.1.
Variant type: single nucleotide variant.
Coding change: c.2146A>G on transcript NM_000535.7 (MANE Select); coding-DNA position 2146, A replaced by G.
Protein change: p.Thr716Ala; replaces threonine 716 with alanine.
Molecular consequence: missense variant. On other transcripts: non-coding transcript variant (1).
Genome position (GRCh38, 1-based): chr7:5,982,852, T>C on the plus strand (A>G on the coding strand, the complement: PMS2 is on the minus strand). VCF-style: chr7-5982852-T-C. GRCh37 (hg19) VCF-style: chr7-6022483-T-C.
Other names: c.1741A>G, p.Thr581Ala (NM_001322003.2, NM_001322004.2, NM_001322005.2 and 1 more transcripts); c.1990A>G, p.Thr664Ala (NM_001322006.2); c.1828A>G, p.Thr610Ala (NM_001322007.2, NM_001322008.2); c.1585A>G, p.Thr529Ala (NM_001322010.2); c.1213A>G, p.Thr405Ala (NM_001322011.2, NM_001322012.2); c.1573A>G, p.Thr525Ala (NM_001322013.2); c.2146A>G, p.Thr716Ala (NM_001322014.2); c.1837A>G, p.Thr613Ala (NM_001322015.2); short protein forms T716A, T525A, T581A, T405A, T529A, T613A, T664A, T610A.
Identifiers: ClinVar variation 455685 (VCV000455685.11), dbSNP rs772637411, ClinGen allele CA046723.
Genomic context (GRCh38, chr7:5,982,852, plus strand): 5'-GGAGTCTGGGAATGAACACTAAACACACTCACGCTATGAGCCTCTGCCCCTGGAGCACGG[T>C]GTGCTGCTGCAGCATCTCGAAGTTATACTTCTCGTCCGTGGCATGCTGGTCCACTATGAA-3'
Protein context (NP_000526.2, residues 706-726): KYNFEMLQQH[Thr716Ala]VLQGQRLIAP